The following is an entry in ClinVar:

ClinVar aggregate classification (germline): Uncertain significance (1 of 4 stars; one submission).

Allele frequency attached by ClinVar (database versions not stated): TOPMed below 0.00001; ExAC 0.00004.
gnomAD v4.1: 10 of 1,613,712 alleles (0.00062%); highest among the groups gnomAD compares: Non-Finnish European, 0.00051%; no homozygotes.

Submission:

Labcorp Genetics (formerly Invitae), Labcorp
Classification: Uncertain significance. Last evaluated: 2025-06-12. Review status: criteria provided, single submitter. Criteria: Invitae Variant Classification Sherloc (09022015). Collection method: clinical testing. Allele origin: germline.
Comment: This sequence change replaces valine, which is neutral and non-polar, with alanine, which is neutral and non-polar, at codon 158 of the IL18BP protein (p.Val158Ala). This variant is present in population databases (rs777264901, gnomAD 0.009%). This variant has not been reported in the literature in individuals affected with IL18BP-related conditions. ClinVar contains an entry for this variant (Variation ID: 2871543). An algorithm developed to predict the effect of missense changes on protein structure and function (PolyPhen-2) suggests that this variant is likely to be disruptive. In summary, the available evidence is currently insufficient to determine the role of this variant in disease. Therefore, it has been classified as a Variant of Uncertain Significance.

NM_001039660.2(IL18BP):c.473T>C (p.Val158Ala)

Gene: IL18BP (interleukin 18 binding protein; plus strand). Cytogenetic location: 11q13.4.
Variant type: single nucleotide variant.
Coding change: c.473T>C on transcript NM_001039660.2 (MANE Select); coding-DNA position 473, T replaced by C.
Protein change: p.Val158Ala; replaces valine 158 with alanine.
Molecular consequence: missense variant. On other transcripts: intron variant (2).
Genome position (GRCh38, 1-based): chr11:72,001,518, T>C. VCF-style: chr11-72001518-T-C. GRCh37 (hg19) VCF-style: chr11-71712564-T-C.
Other names: c.473T>C, p.Val158Ala (NM_001039659.2, NM_001145057.1, NM_005699.3 and 1 more transcripts); c.379+94T>C (NM_173044.3); c.236-266T>C (NM_001145055.1); short protein forms V158A.
Identifiers: ClinVar variation 2871543 (VCV002871543.3), dbSNP rs777264901, ClinGen allele CA6166249.